The following is an entry in ClinVar:

ClinVar aggregate classification (germline): Uncertain significance. Review status: criteria provided, multiple submitters, no conflicts (2 of 4 stars). 4 submissions from 4 submitters: Uncertain significance (4). Last evaluated 2026-05-11.

Conditions:
Hereditary nonpolyposis colorectal neoplasms. Identifiers: MedGen C0009405, MeSH D003123.
Inherited ovarian cancer (without breast cancer).
Hereditary cancer-predisposing syndrome. Also called: Hereditary neoplastic syndrome; Neoplastic Syndromes, Hereditary; Tumor predisposition; Hereditary Cancer Syndrome. Identifiers: Orphanet 140162, MedGen C0027672, MeSH D009386, MONDO:0015356.

Allele frequency attached by ClinVar (database versions not stated): gnomAD exomes below 0.00001.
gnomAD v4.1: 1 of 1,614,082 alleles (0.000062%); highest among the groups gnomAD compares: Non-Finnish European, 0.000085%; no homozygotes.

Submissions (4):

Cambridge Genomics Laboratory, East Genomic Laboratory Hub, NHS Genomic Medicine Service
Classification: Uncertain significance for Inherited ovarian cancer (without breast cancer). Last evaluated: 2026-05-11. Review status: criteria provided, single submitter. Criteria: ACGS Best Practice Guidelines for Variant Classification in Rare Disease 2020. Collection method: clinical testing. Allele origin: germline. Affected: yes.
Comment: PM2_Supporting,PP3_Moderate

Ambry Genetics
Classification: Uncertain significance for Hereditary cancer-predisposing syndrome. Last evaluated: 2025-05-01. Review status: criteria provided, single submitter. Criteria: Ambry Variant Classification Scheme 2023. Collection method: clinical testing. Allele origin: germline.
Comment: The p.Y1287C variant (also known as c.3860A>G), located in coding exon 9 of the MSH6 gene, results from an A to G substitution at nucleotide position 3860. The tyrosine at codon 1287 is replaced by cysteine, an amino acid with highly dissimilar properties. This amino acid position is highly conserved in available vertebrate species. In addition, this alteration is predicted to be deleterious by in silico analysis. Based on the available evidence, the clinical significance of this variant remains unclear.

Labcorp Genetics (formerly Invitae), Labcorp
Classification: Uncertain significance for Hereditary nonpolyposis colorectal neoplasms. Last evaluated: 2024-12-31. Review status: criteria provided, single submitter. Criteria: Invitae Variant Classification Sherloc (09022015). Collection method: clinical testing. Allele origin: germline.
Comment: This sequence change replaces tyrosine, which is neutral and polar, with cysteine, which is neutral and slightly polar, at codon 1287 of the MSH6 protein (p.Tyr1287Cys). This variant is not present in population databases (gnomAD no frequency). This variant has not been reported in the literature in individuals affected with MSH6-related conditions. ClinVar contains an entry for this variant (Variation ID: 1320740). Invitae Evidence Modeling of protein sequence and biophysical properties (such as structural, functional, and spatial information, amino acid conservation, physicochemical variation, residue mobility, and thermodynamic stability) indicates that this missense variant is expected to disrupt MSH6 protein function with a positive predictive value of 95%. In summary, the available evidence is currently insufficient to determine the role of this variant in disease. Therefore, it has been classified as a Variant of Uncertain Significance.

GeneDx
Classification: Uncertain significance. Last evaluated: 2020-12-08. Review status: criteria provided, single submitter. Criteria: GeneDx Variant Classification Process June 2021. Collection method: clinical testing. Allele origin: germline. Affected: yes.
Comment: Has not been previously published as pathogenic or benign to our knowledge; Not observed in large population cohorts (Lek 2016); In silico analysis supports that this missense variant has a deleterious effect on protein structure/function

NM_000179.3(MSH6):c.3860A>G (p.Tyr1287Cys)

Gene: MSH6 (mutS homolog 6; plus strand). Cytogenetic location: 2p16.3.
Variant type: single nucleotide variant.
Coding change: c.3860A>G on transcript NM_000179.3 (MANE Select); coding-DNA position 3860, A replaced by G.
Protein change: p.Tyr1287Cys; replaces tyrosine 1287 with cysteine.
Molecular consequence: missense variant.
Genome position (GRCh38, 1-based): chr2:47,806,510, A>G. VCF-style: chr2-47806510-A-G. GRCh37 (hg19) VCF-style: chr2-48033649-A-G.
Other names: c.3470A>G, p.Tyr1157Cys (NM_001281492.2); c.2954A>G, p.Tyr985Cys (NM_001281493.2, NM_001281494.2); short protein forms Y1157C, Y1287C, Y985C.
Identifiers: ClinVar variation 1320740 (VCV001320740.8), dbSNP rs2104556282, ClinGen allele CA346761329.
Genomic context (GRCh38, chr2:47,806,510, plus strand): 5'-AGGCATGCATGGTAGAAAATGAATGTGAAGACCCCAGCCAGGAGACTATTACGTTCCTCT[A>G]TAAATTCATTAAGGGAGCTTGTCCTAAAAGCTATGGCTTTAATGCAGCAAGGCTTGCTAA-3'
Protein context (NP_000170.1, residues 1277-1297): DPSQETITFL[Tyr1287Cys]KFIKGACPKS